The following is an entry in ClinVar:

ClinVar aggregate classification (germline): Uncertain significance. Review status: criteria provided, multiple submitters, no conflicts (2 of 4 stars). 3 submissions from 3 submitters: Uncertain significance (3). Last evaluated 2025-11-28.

Conditions:
Bone mineral density quantitative trait locus 1 (BMND1). Identifiers: MedGen C1866079, OMIM 601884.
Worth disease. Also called: ENDOSTEAL HYPEROSTOSIS, AUTOSOMAL DOMINANT; OSTEOSCLEROSIS, AUTOSOMAL DOMINANT; Autosomal dominant osteosclerosis, Worth type. Identifiers: Orphanet 2790, MedGen C0432273, MONDO:0007764, OMIM 144750.
Exudative vitreoretinopathy 4 (EVR4). Identifiers: Orphanet 891, MedGen C1866176, MONDO:0011151, OMIM 601813.
Osteoporosis. Identifiers: MedGen C0029456, MONDO:0005298, OMIM 166710, HP:0000939.
Autosomal dominant osteopetrosis 1 (OPTA1). Also called: OSTEOPETROSIS, AUTOSOMAL DOMINANT, TYPE I. Identifiers: Orphanet 2783, MedGen C1843330, MONDO:0011877, OMIM 607634.
Osteoporosis with pseudoglioma (OPPG). Also called: osteoporosis-pseudoglioma syndrome. Identifiers: Orphanet 2788, MedGen C0432252, MONDO:0009820, OMIM 259770.
Exudative vitreoretinopathy 1 (EVR1). Also called: CRISWICK-SCHEPENS SYNDROME; FEVR, AUTOSOMAL DOMINANT; Familial exudative vitreoretinopathy, autosomal dominant. Identifiers: Orphanet 891, Orphanet 90050, MedGen C1851402, MONDO:0007589, OMIM 133780.
Polycystic liver disease 4 with or without kidney cysts. Identifiers: MedGen C4693479, MONDO:0044327, OMIM 617875.

Allele frequency attached by ClinVar (database versions not stated): gnomAD exomes 0.00003 and 0.00005; ExAC 0.00004; gnomAD 0.00012 and 0.00013; 1000 Genomes Project 0.00020; TOPMed 0.00021; 1000 Genomes Project 30x 0.00031.
gnomAD v4.1: 70 of 1,613,984 alleles (0.0043%); highest among the groups gnomAD compares: Admixed American, 0.017%; no homozygotes.

Submissions (3):

Labcorp Genetics (formerly Invitae), Labcorp
Classification: Uncertain significance. Last evaluated: 2025-11-28. Review status: criteria provided, single submitter. Criteria: Invitae Variant Classification Sherloc (09022015). Collection method: clinical testing. Allele origin: germline.
Comment: This sequence change replaces arginine, which is basic and polar, with tryptophan, which is neutral and slightly polar, at codon 746 of the LRP5 protein (p.Arg746Trp). This variant is present in population databases (rs201916993, gnomAD 0.008%). This missense change has been observed in individual(s) with LRP5-related conditions (PMID: 40794150). ClinVar contains an entry for this variant (Variation ID: 193642). Invitae Evidence Modeling of protein sequence and biophysical properties (such as structural, functional, and spatial information, amino acid conservation, physicochemical variation, residue mobility, and thermodynamic stability) indicates that this missense variant is not expected to disrupt LRP5 protein function with a negative predictive value of 95%. This variant disrupts the p.Arg746 amino acid residue in LRP5. Other variant(s) that disrupt this residue have been observed in individuals with LRP5-related conditions (PMID: 28494495, 30452590), which suggests that this may be a clinically significant amino acid residue. In summary, the available evidence is currently insufficient to determine the role of this variant in disease. Therefore, it has been classified as a Variant of Uncertain Significance.

Fulgent Genetics
Classification: Uncertain significance for Exudative vitreoretinopathy 1; Worth disease; Osteoporosis; Osteoporosis with pseudoglioma; Exudative vitreoretinopathy 4; Bone mineral density quantitative trait locus 1; Autosomal dominant osteopetrosis 1; Polycystic liver disease 4 with or without kidney cysts. Last evaluated: 2022-05-25. Review status: criteria provided, single submitter. Criteria: ACMG Guidelines, 2015. Collection method: clinical testing. Allele origin: unknown.

Eurofins Ntd Llc (ga)
Classification: Uncertain significance. Last evaluated: 2015-01-05. Review status: criteria provided, single submitter. Criteria: EGL Classification Definitions 2015. Collection method: clinical testing. Allele origin: germline. Observed: 2 variant alleles, 2 heterozygotes.

Literature cited by the submitters: PubMed 40794150 (cited by Labcorp Genetics (formerly Invitae), Labcorp); PubMed 28494495 (cited by Labcorp Genetics (formerly Invitae), Labcorp); PubMed 30452590 (cited by Labcorp Genetics (formerly Invitae), Labcorp).

NM_002335.4(LRP5):c.2236C>T (p.Arg746Trp)

Gene: LRP5 (LDL receptor related protein 5; plus strand). Cytogenetic location: 11q13.2.
Variant type: single nucleotide variant.
Coding change: c.2236C>T on transcript NM_002335.4 (MANE Select); coding-DNA position 2236, C replaced by T.
Protein change: p.Arg746Trp; replaces arginine 746 with tryptophan.
Molecular consequence: missense variant.
Genome position (GRCh38, 1-based): chr11:68,410,058, C>T. VCF-style: chr11-68410058-C-T. GRCh37 (hg19) VCF-style: chr11-68177526-C-T.
Other names: c.493C>T, p.Arg165Trp (NM_001291902.2); short protein forms R746W, R165W.
Identifiers: ClinVar variation 193642 (VCV000193642.16), dbSNP rs201916993, ClinGen allele CA239212.